The following is an entry in ClinVar:

ClinVar aggregate classification (germline): Uncertain significance. Review status: criteria provided, multiple submitters, no conflicts (2 of 4 stars). 2 submissions from 2 submitters: Uncertain significance (2). Last evaluated 2023-09-28.

Conditions:
Hereditary cancer-predisposing syndrome. Also called: Neoplastic Syndromes, Hereditary; Tumor predisposition; Hereditary neoplastic syndrome; Hereditary Cancer Syndrome. Identifiers: Orphanet 140162, MedGen C0027672, MeSH D009386, MONDO:0015356.

Submissions (2):

Women's Health and Genetics/Laboratory Corporation of America, LabCorp
Classification: Uncertain significance. Last evaluated: 2023-09-28. Review status: criteria provided, single submitter. Criteria: LabCorp Variant Classification Summary - May 2015. Collection method: clinical testing. Allele origin: germline.

Ambry Genetics
Classification: Uncertain significance for Hereditary cancer-predisposing syndrome. Last evaluated: 2023-02-24. Review status: criteria provided, single submitter. Criteria: Ambry Variant Classification Scheme 2023. Collection method: clinical testing. Allele origin: germline.
Comment: The p.N1784I variant (also known as c.5351A>T), located in coding exon 10 of the BRCA2 gene, results from an A to T substitution at nucleotide position 5351. The asparagine at codon 1784 is replaced by isoleucine, an amino acid with dissimilar properties. This amino acid position is conserved. In addition, this alteration is predicted to be tolerated by in silico analysis. Since supporting evidence is limited at this time, the clinical significance of this alteration remains unclear.

NM_000059.4(BRCA2):c.5351A>T (p.Asn1784Ile)

Gene: BRCA2 (BRCA2 DNA repair associated; plus strand). Cytogenetic location: 13q13.1.
Variant type: single nucleotide variant.
Coding change: c.5351A>T on transcript NM_000059.4 (MANE Select); coding-DNA position 5351, A replaced by T.
Protein change: p.Asn1784Ile; replaces asparagine 1784 with isoleucine.
Molecular consequence: missense variant. On other transcripts: non-coding transcript variant (1), intron variant (2).
Genome position (GRCh38, 1-based): chr13:32,339,706, A>T. VCF-style: chr13-32339706-A-T. GRCh37 (hg19) VCF-style: chr13-32913843-A-T.
Other names: c.5351A>T, p.Asn1784Ile (NM_001406719.1, NM_001406720.1); c.1910-4852A>T (NM_001406721.1); c.425-4852A>T (NM_001406722.1); short protein forms N1784I.
Identifiers: ClinVar variation 2451570 (VCV002451570.3), dbSNP rs2072527448, ClinGen allele CA387785044.